The following is an entry in ClinVar:

ClinVar aggregate classification (germline): Likely benign (1 of 4 stars; one submission).

Conditions:
Agenesis of the corpus callosum with peripheral neuropathy (ACCPN). Also called: CHARLEVOIX DISEASE; POLYNEUROPATHY, SENSORIMOTOR, WITH OR WITHOUT AGENESIS OF THE CORPUS CALLOSUM; HMSN/ACC; Hereditary Motor and Sensory Neuropathy with Agenesis of the Corpus Callosum. Identifiers: Orphanet 1496, MedGen C0795950, MONDO:0000902, OMIM 218000. Disease mechanism: loss of function.

Allele frequency attached by ClinVar (database versions not stated): 1000 Genomes Project 0.00220; 1000 Genomes Project 30x 0.00250; gnomAD 0.00318 and 0.00347; TOPMed 0.00364.

Submission:

Illumina Laboratory Services, Illumina
Classification: Likely benign for Agenesis of the corpus callosum with peripheral neuropathy. Last evaluated: 2018-01-12. Review status: criteria provided, single submitter. Criteria: ICSL Variant Classification Criteria 13 December 2019. Collection method: clinical testing. Allele origin: germline.
Comment: This variant was observed in the ICSL laboratory as part of a predisposition screen in an ostensibly healthy population. It had not been previously curated by ICSL or reported in the Human Gene Mutation Database (HGMD: prior to June 1st, 2018), and was therefore a candidate for classification through an automated scoring system. Utilizing variant allele frequency, disease prevalence and penetrance estimates, and inheritance mode, an automated score was calculated to assess if this variant is too frequent to cause the disease. Based on the score and internal cut-off values, a variant classified as likely benign is not then subjected to further curation. The score for this variant resulted in a classification of likely benign for this disease.

NM_001365088.1(SLC12A6):c.*1130C>A

Gene: SLC12A6 (solute carrier family 12 member 6; minus strand). Cytogenetic location: 15q14.
Variant type: single nucleotide variant.
Coding change: c.*1130C>A on transcript NM_001365088.1 (MANE Select); 1130 bases downstream of the stop codon, C replaced by A.
Molecular consequence: 3 prime UTR variant.
Genome position (GRCh38, 1-based): chr15:34,232,751, G>T on the plus strand (C>A on the coding strand, the complement: SLC12A6 is on the minus strand). VCF-style: chr15-34232751-G-T. GRCh37 (hg19) VCF-style: chr15-34524952-G-T.
Other names: c.*1130C>A (NM_001042494.2, NM_001042495.2, NM_001042496.2 and 3 more transcripts).
Identifiers: ClinVar variation 315593 (VCV000315593.5), dbSNP rs142463396, ClinGen allele CA10641587.
Genomic context (GRCh38, chr15:34,232,751, plus strand): 5'-GATGAGGCAAAAGATTTCTTAGTGGTAAAATTTCTTCAACAGGTCAATGCCAATCTGTAT[G>T]CCATTTTAGTAAAGTAGGTAAGGAGAGTAGCCGCTCAGTAACGTTGGCACTAAAGAAAGA-3'